The following is an entry in ClinVar:

NM_001753.5(CAV1):c.30+14G>T

Gene: CAV1 (caveolin 1; plus strand). Cytogenetic location: 7q31.2.
Variant type: single nucleotide variant.
Coding change: c.30+14G>T on transcript NM_001753.5 (MANE Select); 14 bases into the intron after coding-DNA position 30, G replaced by T.
Molecular consequence: intron variant. On other transcripts: 5 prime UTR variant (1).
Genome position (GRCh38, 1-based): chr7:116,525,106, G>T. VCF-style: chr7-116525106-G-T. GRCh37 (hg19) VCF-style: chr7-116165160-G-T.
Other names: c.-763G>T (NM_001172895.1).
Identifiers: ClinVar variation 379541 (VCV000379541.10), dbSNP rs35697540, ClinGen allele CA4447744.
Genomic context (GRCh38, chr7:116,525,106, plus strand): 5'-TCCAGCCACGGGCCAGCATGTCTGGGGGCAAATACGTAGACTCGGAGGTAGGCATCCGTG[G>T]GGGGGCGCCGGCTCGGGCGTGCGGGGAGTGTCCGCTTCTGCTATCTGCCTCTCCAAATAT-3'

ClinVar aggregate classification (germline): Benign. Review status: criteria provided, multiple submitters, no conflicts (2 of 4 stars). 3 submissions from 3 submitters: Benign (3). Last evaluated 2026-02-04.

Conditions:
Pulmonary hypertension, primary, 3. Identifiers: Orphanet 422, MedGen C3809192, MONDO:0014135, OMIM 615343.

Allele frequency attached by ClinVar (database versions not stated): ExAC 0.01810; 1000 Genomes Project 30x 0.02139; 1000 Genomes Project 0.02216; gnomAD 0.00721; ESP Exome Variant Server 0.00900; TOPMed 0.00966; gnomAD exomes 0.01722.
gnomAD v4.1: 22,391 of 1,614,164 alleles (1.4%); highest among the groups gnomAD compares: South Asian, 6.8%; 416 homozygotes.

Submissions (3):

Labcorp Genetics (formerly Invitae), Labcorp
Classification: Benign for Pulmonary hypertension, primary, 3. Last evaluated: 2026-02-04. Review status: criteria provided, single submitter. Criteria: Invitae Variant Classification Sherloc (09022015). Collection method: clinical testing. Allele origin: germline.

GeneDx
Classification: Benign. Last evaluated: 2015-08-31. Review status: criteria provided, single submitter. Criteria: GeneDx Variant Classification (06012015). Collection method: clinical testing. Allele origin: germline. Affected: yes.
Comment: This variant is considered likely benign or benign based on one or more of the following criteria: it is a conservative change, it occurs at a poorly conserved position in the protein, it is predicted to be benign by multiple in silico algorithms, and/or has population frequency not consistent with disease.

Breakthrough Genomics
Classification: Benign. Review status: criteria provided, single submitter. Criteria: ACMG Guidelines, 2015. Collection method: not provided. Allele origin: germline. Inheritance: Autosomal recessive inheritance. Affected: yes.